The following is an entry in ClinVar:

ClinVar aggregate classification (germline): Uncertain significance (1 of 4 stars; one submission).

Allele frequency attached by ClinVar (database versions not stated): TOPMed 0.00002; gnomAD 0.00004.
gnomAD v4.1: 69 of 1,550,786 alleles (0.0044%); highest among the groups gnomAD compares: Non-Finnish European, 0.0056%; no homozygotes.

Submission:

Labcorp Genetics (formerly Invitae), Labcorp
Classification: Uncertain significance. Last evaluated: 2021-07-24. Review status: criteria provided, single submitter. Criteria: Invitae Variant Classification Sherloc (09022015). Collection method: clinical testing. Allele origin: germline.
Comment: This sequence change falls in intron 3 of the KPNA7 gene. It does not directly change the encoded amino acid sequence of the KPNA7 protein, but it affects a nucleotide within the consensus splice site of the intron. This variant is not present in population databases (ExAC no frequency). This variant has not been reported in the literature in individuals with KPNA7-related conditions. Nucleotide substitutions within the consensus splice site are a relatively common cause of aberrant splicing (PMID: 17576681, 9536098). Algorithms developed to predict the effect of sequence changes on RNA splicing suggest that this variant may disrupt the consensus splice site, but this prediction has not been confirmed by published transcriptional studies. In summary, the available evidence is currently insufficient to determine the role of this variant in disease. Therefore, it has been classified as a Variant of Uncertain Significance.

Literature cited by the submitters: PubMed 17576681; PubMed 9536098.

NM_001145715.3(KPNA7):c.284+3A>C

Gene: KPNA7 (karyopherin subunit alpha 7; minus strand). Cytogenetic location: 7q22.1.
Variant type: single nucleotide variant.
Coding change: c.284+3A>C on transcript NM_001145715.3 (MANE Select); 3 bases into the intron after coding-DNA position 284, A replaced by C.
Molecular consequence: intron variant.
Genome position (GRCh38, 1-based): chr7:99,196,081, T>G on the plus strand (A>C on the coding strand, the complement: KPNA7 is on the minus strand). VCF-style: chr7-99196081-T-G. GRCh37 (hg19) VCF-style: chr7-98793704-T-G.
Identifiers: ClinVar variation 1017641 (VCV001017641.4), dbSNP rs971567144, ClinGen allele CA163746744.